The following is an entry in ClinVar:

ClinVar aggregate classification (germline): Uncertain significance (1 of 4 stars; one submission).

Conditions:
Hereditary cancer-predisposing syndrome. Also called: Tumor predisposition; Neoplastic Syndromes, Hereditary; Hereditary Cancer Syndrome; Hereditary neoplastic syndrome. Identifiers: Orphanet 140162, MedGen C0027672, MeSH D009386, MONDO:0015356.

Submission:

Ambry Genetics
Classification: Uncertain significance for Hereditary cancer-predisposing syndrome. Last evaluated: 2019-09-24. Review status: criteria provided, single submitter. Criteria: Ambry Variant Classification Scheme 2023. Collection method: clinical testing. Allele origin: germline.
Comment: The p.E1996D variant (also known as c.5988A>C), located in coding exon 39 of the ATM gene, results from an A to C substitution at nucleotide position 5988. The glutamic acid at codon 1996 is replaced by aspartic acid, an amino acid with highly similar properties. This amino acid position is well conserved in available vertebrate species. In addition, this alteration is predicted to be tolerated by in silico analysis. Since supporting evidence is limited at this time, the clinical significance of this alteration remains unclear.

NM_000051.4(ATM):c.5988A>C (p.Glu1996Asp)

Genes: ATM (ATM serine/threonine kinase; plus strand), C11orf65 (chromosome 11 open reading frame 65; minus strand). Cytogenetic location: 11q22.3.
Variant type: single nucleotide variant.
Coding change: c.5988A>C on transcript NM_000051.4 (MANE Select); coding-DNA position 5988, A replaced by C.
Protein change: p.Glu1996Asp; replaces glutamic acid 1996 with aspartic acid.
Molecular consequence: missense variant. On other transcripts: intron variant (2).
Genome position (GRCh38, 1-based): chr11:108,312,480, A>C. VCF-style: chr11-108312480-A-C. GRCh37 (hg19) VCF-style: chr11-108183207-A-C.
Other names: c.5988A>C, p.Glu1996Asp (NM_001351834.2); c.641-3409T>G (NM_001330368.2); c.*39-3409T>G (NM_001351110.2); short protein forms E1996D.
Identifiers: ClinVar variation 826095 (VCV000826095.6), dbSNP rs1591758852, ClinGen allele CA382548778.